The following is an entry in ClinVar:

ClinVar aggregate classification (germline): Uncertain significance. Review status: criteria provided, multiple submitters, no conflicts (2 of 4 stars). 2 submissions from 2 submitters: Uncertain significance (2). Last evaluated 2025-07-16.

Conditions:
Inborn genetic diseases. Identifiers: MedGen C0950123, MeSH D030342.

Submissions (2):

Ambry Genetics
Classification: Uncertain significance for Inborn genetic diseases. Last evaluated: 2025-07-16. Review status: criteria provided, single submitter. Criteria: Ambry Variant Classification Scheme 2023. Collection method: clinical testing. Allele origin: germline.

GeneDx
Classification: Uncertain significance. Last evaluated: 2024-11-10. Review status: criteria provided, single submitter. Criteria: GeneDx Variant Classification Process June 2021. Collection method: clinical testing. Allele origin: germline. Affected: yes.
Comment: In silico analysis indicates that this missense variant does not alter protein structure/function; Has not been previously published as pathogenic or benign to our knowledge

NM_000107.3(DDB2):c.79C>A (p.Pro27Thr)

Genes: DDB2 (damage specific DNA binding protein 2; plus strand), LOC126861205 (MED14-independent group 3 enhancer GRCh37_chr11:47236089-47237288; plus strand). Cytogenetic location: 11p11.2.
Variant type: single nucleotide variant.
Coding change: c.79C>A on transcript NM_000107.3 (MANE Select); coding-DNA position 79, C replaced by A.
Protein change: p.Pro27Thr; replaces proline 27 with threonine.
Molecular consequence: missense variant. On other transcripts: non-coding transcript variant (2).
Genome position (GRCh38, 1-based): chr11:47,215,215, C>A. VCF-style: chr11-47215215-C-A. GRCh37 (hg19) VCF-style: chr11-47236766-C-A.
Other names: c.79C>A, p.Pro27Thr (NM_001300734.2, NM_001399874.1, NM_001399875.1 and 2 more transcripts); short protein forms P27T.
Identifiers: ClinVar variation 3899122 (VCV003899122.2).